The following is an entry in ClinVar:

NM_017514.5(PLXNA3):c.3585+5G>A

Gene: PLXNA3 (plexin A3; plus strand). Cytogenetic location: Xq28.
Variant type: single nucleotide variant.
Coding change: c.3585+5G>A on transcript NM_017514.5 (MANE Select); 5 bases into the intron after coding-DNA position 3585, G replaced by A.
Molecular consequence: intron variant.
Genome position (GRCh38, 1-based): chrX:154,467,693, G>A. VCF-style: chrX-154467693-G-A. GRCh37 (hg19) VCF-style: chrX-153696036-G-A.
Identifiers: ClinVar variation 2661842 (VCV002661842.24), dbSNP rs2069112661, ClinGen allele CA2466697101.

ClinVar aggregate classification (germline): Uncertain significance (1 of 4 stars; one submission).

Allele frequency attached by ClinVar (database versions not stated): gnomAD exomes below 0.00001.
gnomAD v4.1: 2 of 1,208,477 alleles (0.00017%); highest among the groups gnomAD compares: African/African-American, 0.0017%; no homozygotes.

Submission:

CeGaT Center for Human Genetics Tuebingen
Classification: Uncertain significance. Last evaluated: 2023-09-01. Review status: criteria provided, single submitter. Criteria: CeGaT Center For Human Genetics Tuebingen Variant Classification Criteria Version 2. Collection method: clinical testing. Allele origin: germline. Affected: yes. Observed: 1 variant allele.
Comment: PLXNA3: PM2, BP4